The following is an entry in ClinVar:

ClinVar aggregate classification (germline): Likely benign. Review status: criteria provided, single submitter (1 of 4 stars). 2 submissions from 2 submitters: Likely benign (1). 1 of the submissions does not count toward it. Last evaluated 2018-07-06.

Conditions:
CDK20-related disorder. Also called: CDK20-related condition.

Submissions (2):

Labcorp Genetics (formerly Invitae), Labcorp
Classification: Likely benign. Last evaluated: 2018-07-06. Review status: criteria provided, single submitter. Criteria: Invitae Variant Classification Sherloc (09022015). Collection method: clinical testing. Allele origin: germline.

PreventionGenetics, part of Exact Sciences
Classification: Likely benign for CDK20-related condition. Last evaluated: 2021-02-17. Review status: no assertion criteria provided. Collection method: clinical testing. Allele origin: germline. Not counted in ClinVar's aggregate classification.
Comment: This variant is classified as likely benign based on ACMG/AMP sequence variant interpretation guidelines (Richards et al. 2015 PMID: 25741868, with internal and published modifications).

NM_001039803.3(CDK20):c.500+5_500+6del

Gene: CDK20 (cyclin dependent kinase 20; minus strand). Cytogenetic location: 9q22.1.
Variant type: Deletion.
Coding change: c.500+5_500+6del on transcript NM_001039803.3 (MANE Select); bases 5 to 6 of the intron after coding-DNA position 500, 2 bases deleted (GG; older notation c.500+5_500+6delGG).
Molecular consequence: intron variant.
Genome position (GRCh38, 1-based): chr9:87,970,770-87,970,771, CC deleted on the plus strand (GG on the coding strand, the reverse complement: CDK20 is on the minus strand); deleting any 2 consecutive bases within chr9:87,970,770-87,970,772 gives the same sequence; the c. name uses the placement nearest the transcript's 3' end. VCF-style (leftmost placement, unchanged base first): chr9-87970769-TCC-T. GRCh37 (hg19) VCF-style: chr9-90585684-TCC-T.
Other names: c.500+5_500+6del (NM_001170640.2, NM_001170639.2, NM_012119.5); c.539+5_539+6del (NM_178432.4); c.500+5_500+6delGG (NM_001039803.2).
Identifiers: ClinVar variation 790618 (VCV000790618.5), dbSNP rs556907292, ClinGen allele CA5114144.
Genomic context (GRCh38, chr9:87,970,769, plus strand): 5'-CTGGAGAAAAGGCCCAGAAGCATCTCTTCCCCATGGAGAAGACTGGAAGGGATCTGGCCC[TCC>T]CTACCTGGTGGCCACCTGGTGTGTGTAGAGGCGGCTGCCGTCTGGGGAAAAGACTCGAGC-3'